The following is an entry in ClinVar:

NM_000214.3(JAG1):c.2418C>A (p.Cys806Ter)

Gene: JAG1 (jagged canonical Notch ligand 1; minus strand). Cytogenetic location: 20p12.2.
Variant type: single nucleotide variant.
Coding change: c.2418C>A on transcript NM_000214.3 (MANE Select); coding-DNA position 2418, C replaced by A.
Protein change: p.Cys806Ter; replaces cysteine 806 with a stop codon.
Molecular consequence: nonsense.
Genome position (GRCh38, 1-based): chr20:10,643,818, G>T on the plus strand (C>A on the coding strand, the complement: JAG1 is on the minus strand). VCF-style: chr20-10643818-G-T. GRCh37 (hg19) VCF-style: chr20-10624466-G-T.
Other names: c.2418C>A, p.Cys806Ter (LRG_1191t1); short protein forms C806*.
Identifiers: ClinVar variation 234518 (VCV000234518.10), dbSNP rs533306015, ClinGen allele CA10577614.

ClinVar aggregate classification (germline): Pathogenic. Review status: criteria provided, multiple submitters, no conflicts (2 of 4 stars). 2 submissions from 2 submitters: Pathogenic (2). Last evaluated 2019-05-16.

Conditions:
Alagille syndrome due to a JAG1 point mutation. Also called: JAG1-Related Alagille Syndrome; HEPATIC DUCTULAR HYPOPLASIA, SYNDROMATIC; Alagille Syndrome 1. Identifiers: Orphanet 261619, Orphanet 52, MedGen C1956125, MONDO:0016862, OMIM 118450.

Submissions (2):

GeneDx
Classification: Pathogenic. Last evaluated: 2019-05-16. Review status: criteria provided, single submitter. Criteria: GeneDx Variant Classification Process June 2021. Collection method: clinical testing. Allele origin: germline. Affected: yes.
Comment: Nonsense variant predicted to result in protein truncation or nonsense mediated decay in a gene for which loss-of-function is a known mechanism of disease; Not observed in large population cohorts (Lek et al., 2016); This variant is associated with the following publications: (PMID: 11180599, 11139239)

Labcorp Genetics (formerly Invitae), Labcorp
Classification: Pathogenic for Alagille syndrome due to a JAG1 point mutation. Last evaluated: 2016-04-18. Review status: criteria provided, single submitter. Criteria: Invitae Variant Classification Sherloc (09022015). Collection method: clinical testing. Allele origin: germline.
Comment: This sequence change creates a premature translational stop signal at codon 806 (p.Cys806*) of the JAG1 gene. It is expected to result in an absent or disrupted protein product. For these reasons, this variant has been classified as Pathogenic. Truncating variants in JAG1 are known to be pathogenic (PMID: 11180599, 12497640). This particular variant was observed de novo in an individual with Alagille syndrome (PMID: 11180599).

Literature cited by the submitters: PubMed 11180599 (cited by Labcorp Genetics (formerly Invitae), Labcorp); PubMed 12497640 (cited by Labcorp Genetics (formerly Invitae), Labcorp).